The following is an entry in ClinVar:

NM_004341.5(CAD):c.1129C>T (p.Arg377Cys)

Gene: CAD (carbamoyl-phosphate synthetase 2, aspartate transcarbamylase, and dihydroorotase; plus strand). Cytogenetic location: 2p23.3.
Variant type: single nucleotide variant.
Coding change: c.1129C>T on transcript NM_004341.5 (MANE Select); coding-DNA position 1129, C replaced by T.
Protein change: p.Arg377Cys; replaces arginine 377 with cysteine.
Molecular consequence: missense variant.
Genome position (GRCh38, 1-based): chr2:27,224,365, C>T. VCF-style: chr2-27224365-C-T. GRCh37 (hg19) VCF-style: chr2-27447233-C-T.
Other names: c.1129C>T, p.Arg377Cys (NM_001306079.2); short protein forms R377C.
Identifiers: ClinVar variation 1494141 (VCV001494141.6), dbSNP rs753774023, ClinGen allele CA1572624.

ClinVar aggregate classification (germline): Uncertain significance (1 of 4 stars; one submission).

Allele frequency attached by ClinVar (database versions not stated): ExAC 0.00001; gnomAD exomes 0.00001; TOPMed 0.00001; gnomAD 0.00003.

Submission:

Labcorp Genetics (formerly Invitae), Labcorp
Classification: Uncertain significance. Last evaluated: 2025-08-21. Review status: criteria provided, single submitter. Criteria: Invitae Variant Classification Sherloc (09022015). Collection method: clinical testing. Allele origin: germline.
Comment: This sequence change replaces arginine, which is basic and polar, with cysteine, which is neutral and slightly polar, at codon 377 of the CAD protein (p.Arg377Cys). This variant is present in population databases (rs753774023, gnomAD 0.002%). This variant has not been reported in the literature in individuals affected with CAD-related conditions. ClinVar contains an entry for this variant (Variation ID: 1494141). An algorithm developed to predict the effect of missense changes on protein structure and function outputs the following: PolyPhen-2: "Benign". The cysteine amino acid residue is found in multiple mammalian species, which suggests that this missense change does not adversely affect protein function. In summary, the available evidence is currently insufficient to determine the role of this variant in disease. Therefore, it has been classified as a Variant of Uncertain Significance.